The following is an entry in ClinVar:

NM_005359.6(SMAD4):c.377T>C (p.Val126Ala)

Gene: SMAD4 (SMAD family member 4; plus strand). Cytogenetic location: 18q21.2.
Variant type: single nucleotide variant.
Coding change: c.377T>C on transcript NM_005359.6 (MANE Select); coding-DNA position 377, T replaced by C.
Protein change: p.Val126Ala; replaces valine 126 with alanine.
Molecular consequence: missense variant.
Genome position (GRCh38, 1-based): chr18:51,048,813, T>C. VCF-style: chr18-51048813-T-C. GRCh37 (hg19) VCF-style: chr18-48575183-T-C.
Other names: short protein forms V126A.
Identifiers: ClinVar variation 1002956 (VCV001002956.8), dbSNP rs1909621949, ClinGen allele CA402458663.
Genomic context (GRCh38, chr18:51,048,813, plus strand): 5'-AAAATGAACTAAAACATGTTAAATATTGTCAGTATGCGTTTGACTTAAAATGTGATAGTG[T>C]CTGTGTGAATCCATATCACTACGAACGAGTTGTATCACCTGGAATTGGTAAGTAGACTTT-3'
Protein context (NP_005350.1, residues 116-136): QYAFDLKCDS[Val126Ala]CVNPYHYERV

ClinVar aggregate classification (germline): Uncertain significance (1 of 4 stars; one submission).

Conditions:
Juvenile polyposis syndrome (JPS). Identifiers: Orphanet 2929, MedGen C0345893, MONDO:0017380, OMIM 174900.

Submission:

Labcorp Genetics (formerly Invitae), Labcorp
Classification: Uncertain significance for Juvenile polyposis syndrome. Last evaluated: 2022-01-28. Review status: criteria provided, single submitter. Criteria: Invitae Variant Classification Sherloc (09022015). Collection method: clinical testing. Allele origin: germline.
Comment: In summary, the available evidence is currently insufficient to determine the role of this variant in disease. Therefore, it has been classified as a Variant of Uncertain Significance. Advanced modeling of protein sequence and biophysical properties (such as structural, functional, and spatial information, amino acid conservation, physicochemical variation, residue mobility, and thermodynamic stability) performed at Invitae indicates that this missense variant is expected to disrupt SMAD4 protein function. ClinVar contains an entry for this variant (Variation ID: 1002956). This variant has not been reported in the literature in individuals affected with SMAD4-related conditions. This variant is not present in population databases (gnomAD no frequency). This sequence change replaces valine, which is neutral and non-polar, with alanine, which is neutral and non-polar, at codon 126 of the SMAD4 protein (p.Val126Ala).